The following is an entry in ClinVar:

NM_005901.6(SMAD2):c.489C>A (p.Asn163Lys)

Gene: SMAD2 (SMAD family member 2; minus strand). Cytogenetic location: 18q21.1.
Variant type: single nucleotide variant.
Coding change: c.489C>A on transcript NM_005901.6 (MANE Select); coding-DNA position 489, C replaced by A.
Protein change: p.Asn163Lys; replaces asparagine 163 with lysine.
Molecular consequence: missense variant.
Genome position (GRCh38, 1-based): chr18:47,869,274, G>T on the plus strand (C>A on the coding strand, the complement: SMAD2 is on the minus strand). VCF-style: chr18-47869274-G-T. GRCh37 (hg19) VCF-style: chr18-45395645-G-T.
Other names: c.489C>A, p.Asn163Lys (NM_001003652.4); c.399C>A, p.Asn133Lys (NM_001135937.3); short protein forms N133K, N163K.
Identifiers: ClinVar variation 3650077 (VCV003650077.2).

ClinVar aggregate classification (germline): Uncertain significance (1 of 4 stars; one submission).

Submission:

Labcorp Genetics (formerly Invitae), Labcorp
Classification: Uncertain significance. Last evaluated: 2024-04-16. Review status: criteria provided, single submitter. Criteria: Invitae Variant Classification Sherloc (09022015). Collection method: clinical testing. Allele origin: germline.
Comment: This sequence change replaces asparagine, which is neutral and polar, with lysine, which is basic and polar, at codon 163 of the SMAD2 protein (p.Asn163Lys). This variant is not present in population databases (gnomAD no frequency). This variant has not been reported in the literature in individuals affected with SMAD2-related conditions. Advanced modeling of protein sequence and biophysical properties (such as structural, functional, and spatial information, amino acid conservation, physicochemical variation, residue mobility, and thermodynamic stability) performed at Invitae indicates that this missense variant is expected to disrupt SMAD2 protein function with a positive predictive value of 80%. In summary, the available evidence is currently insufficient to determine the role of this variant in disease. Therefore, it has been classified as a Variant of Uncertain Significance.